The following is an entry in ClinVar:

ClinVar aggregate classification (germline): Pathogenic (1 of 4 stars; one submission).

Submission:

Labcorp Genetics (formerly Invitae), Labcorp
Classification: Pathogenic. Last evaluated: 2022-10-27. Review status: criteria provided, single submitter. Criteria: Invitae Variant Classification Sherloc (09022015). Collection method: clinical testing. Allele origin: germline.
Comment: This variant is a gross deletion of the genomic region encompassing exon(s) 2 of the ALPL gene, which includes the initiator codon. This deletion extends beyond the assayed region for this gene and therefore may encompass additional genes. It is expected to result in an absent or disrupted protein product. Loss-of-function variants in ALPL are known to be pathogenic (PMID: 3174660, 10679946, 32973344, 33814268). This variant has not been reported in the literature in individuals affected with ALPL-related conditions. For these reasons, this variant has been classified as Pathogenic.

Literature cited by the submitters: PubMed 3174660; PubMed 10679946; PubMed 32973344; PubMed 33814268.

NC_000001.11:g.(?_21554072)_(21554152_?)del

Gene: ALPL (alkaline phosphatase, biomineralization associated; plus strand). Cytogenetic location: 1p36.12.
Variant type: Deletion.
Identifiers: ClinVar variation 832023 (VCV000832023.5).